The following is an entry in ClinVar:

ClinVar aggregate classification (germline): Uncertain significance. Review status: criteria provided, multiple submitters, no conflicts (2 of 4 stars). 2 submissions from 2 submitters: Uncertain significance (2). Last evaluated 2026-04-16.

Conditions:
TJP2-related disorder. Also called: TJP2-related condition.

Allele frequency attached by ClinVar (database versions not stated): 1000 Genomes Project 0.00020; gnomAD exomes 0.00026 and 0.00005; ExAC below 0.00001; gnomAD 0.00006 and 0.00007; 1000 Genomes Project 30x 0.00016; TOPMed 0.00016.
gnomAD v4.1: 83 of 1,537,250 alleles (0.0054%); highest among the groups gnomAD compares: Admixed American, 0.082%; no homozygotes.

Submissions (2):

PreventionGenetics, part of Exact Sciences
Classification: Uncertain significance for TJP2-related condition. Last evaluated: 2026-04-16. Review status: criteria provided, single submitter. Criteria: ACMG Guidelines, 2015. Collection method: clinical testing. Allele origin: germline.
Comment: The TJP2 c.94C>G variant is predicted to result in the amino acid substitution p.Pro32Ala. To our knowledge, this variant has not been reported in the literature. This variant is reported in 0.11% of alleles in individuals of Latino descent in gnomAD. Although we suspect that this variant may be benign, at this time, the clinical significance of this variant is uncertain due to the absence of conclusive functional and genetic evidence.

Eurofins Ntd Llc (ga)
Classification: Uncertain significance. Last evaluated: 2017-09-29. Review status: criteria provided, single submitter. Criteria: EGL Classification Definitions 2015. Collection method: clinical testing. Allele origin: germline. Observed: 2 variant alleles, 2 heterozygotes.

NM_004817.4(TJP2):c.61-7293C>G

Gene: TJP2 (tight junction protein 2; plus strand). Cytogenetic location: 9q21.11.
Variant type: single nucleotide variant.
Coding change: c.61-7293C>G on transcript NM_004817.4 (MANE Select); 7293 bases into the intron before coding-DNA position 61, C replaced by G.
Molecular consequence: intron variant. On other transcripts: missense variant (1).
Genome position (GRCh38, 1-based): chr9:69,205,255, C>G. VCF-style: chr9-69205255-C-G. GRCh37 (hg19) VCF-style: chr9-71820171-C-G.
Other names: c.94C>G, p.Pro32Ala (NM_001170416.2); c.-9-7293C>G (NM_001170414.2, NM_001369870.1, NM_001369871.1); c.61-7293C>G (NM_201629.3, NM_001369872.1, NM_001369873.1 and 1 more transcripts); c.72+22C>G (NM_001170415.1, NM_001369875.1, NM_001369874.1); c.94C>G (NM_001170416.1); short protein forms P32A.
Identifiers: ClinVar variation 594245 (VCV000594245.7), dbSNP rs566121116, ClinGen allele CA5072875.